The following is an entry in ClinVar:

NM_020975.6(RET):c.722C>T (p.Ala241Val)

Gene: RET (ret proto-oncogene; plus strand). Cytogenetic location: 10q11.21.
Variant type: single nucleotide variant.
Coding change: c.722C>T on transcript NM_020975.6 (MANE Select); coding-DNA position 722, C replaced by T.
Protein change: p.Ala241Val; replaces alanine 241 with valine.
Molecular consequence: missense variant.
Genome position (GRCh38, 1-based): chr10:43,105,048, C>T. VCF-style: chr10-43105048-C-T. GRCh37 (hg19) VCF-style: chr10-43600496-C-T.
Other names: c.722C>T, p.Ala241Val (NM_000323.2, NM_001406743.1, NM_001406744.1 and 8 more transcripts); c.-41C>T (NM_001355216.2); c.593C>T, p.Ala198Val (NM_001406761.1, NM_001406762.1, NM_001406764.1 and 2 more transcripts); c.434C>T, p.Ala145Val (NM_001406766.1, NM_001406767.1, NM_001406770.1); short protein forms A241V, A198V, A145V.
Identifiers: ClinVar variation 961551 (VCV000961551.10), dbSNP rs1178140696, ClinGen allele CA376544731.

ClinVar aggregate classification (germline): Uncertain significance (1 of 4 stars; one submission).

Conditions:
Multiple endocrine neoplasia, type 2 (MEN2). Identifiers: Orphanet 653, MedGen C4048306, MONDO:0019003. Disease mechanism: gain of function.

Allele frequency attached by ClinVar (database versions not stated): TOPMed below 0.00001; gnomAD 0.00001.

Submission:

Labcorp Genetics (formerly Invitae), Labcorp
Classification: Uncertain significance for Multiple endocrine neoplasia, type 2. Last evaluated: 2023-12-03. Review status: criteria provided, single submitter. Criteria: Invitae Variant Classification Sherloc (09022015). Collection method: clinical testing. Allele origin: germline.
Comment: This sequence change replaces alanine, which is neutral and non-polar, with valine, which is neutral and non-polar, at codon 241 of the RET protein (p.Ala241Val). This variant is not present in population databases (gnomAD no frequency). This variant has not been reported in the literature in individuals affected with RET-related conditions. ClinVar contains an entry for this variant (Variation ID: 961551). An algorithm developed to predict the effect of missense changes on protein structure and function (PolyPhen-2) suggests that this variant is likely to be disruptive. In summary, the available evidence is currently insufficient to determine the role of this variant in disease. Therefore, it has been classified as a Variant of Uncertain Significance.